The following is an entry in ClinVar:

ClinVar aggregate classification (germline): Uncertain significance. Review status: criteria provided, multiple submitters, no conflicts (2 of 4 stars). 2 submissions from 2 submitters: Uncertain significance (2). Last evaluated 2025-11-10.

Conditions:
Acute myeloid leukemia (AML). Also called: Acute myeloid leukemia, adult; AML adult; Acute non-lymphocytic leukemia; Acute granulocytic leukemia; Leukemia, acute myeloid, somatic; Leukemia, acute myelogenous, somatic. Identifiers: Orphanet 519, MedGen C0023467, MeSH D015470, MONDO:0018874, OMIM 601626, HP:0004808. Disease mechanism: Constitutively activated FLT3.
Inborn genetic diseases. Identifiers: MedGen C0950123, MeSH D030342.

gnomAD v4.1: 1 of 1,497,894 alleles (0.000067%); highest among the groups gnomAD compares: South Asian, 0.0013%; no homozygotes.

Submissions (2):

Ambry Genetics
Classification: Uncertain significance for Inborn genetic diseases. Last evaluated: 2025-11-10. Review status: criteria provided, single submitter. Criteria: Ambry Variant Classification Scheme 2023. Collection method: clinical testing. Allele origin: germline.
Comment: The p.D69H variant (also known as c.205G>C), located in coding exon 1 of the CEBPA gene, results from a G to C substitution at nucleotide position 205. The aspartic acid at codon 69 is replaced by histidine, an amino acid with similar properties. This amino acid position is conserved. In addition, the in silico prediction for this alteration is inconclusive. Based on the available evidence, the clinical significance of this variant remains unclear.

Labcorp Genetics (formerly Invitae), Labcorp
Classification: Uncertain significance for Acute myeloid leukemia. Last evaluated: 2025-09-14. Review status: criteria provided, single submitter. Criteria: Invitae Variant Classification Sherloc (09022015). Collection method: clinical testing. Allele origin: germline.
Comment: This sequence change replaces aspartic acid, which is acidic and polar, with histidine, which is basic and polar, at codon 69 of the CEBPA protein (p.Asp69His). This variant is not present in population databases (gnomAD no frequency). This variant has not been reported in the literature in individuals affected with CEBPA-related conditions. ClinVar contains an entry for this variant (Variation ID: 2991945). Invitae Evidence Modeling of protein sequence and biophysical properties (such as structural, functional, and spatial information, amino acid conservation, physicochemical variation, residue mobility, and thermodynamic stability) indicates that this missense variant is expected to disrupt CEBPA protein function with a positive predictive value of 80%. In summary, the available evidence is currently insufficient to determine the role of this variant in disease. Therefore, it has been classified as a Variant of Uncertain Significance.

NM_004364.5(CEBPA):c.205G>C (p.Asp69His)

Gene: CEBPA (CCAAT enhancer binding protein alpha; minus strand). Cytogenetic location: 19q13.11.
Variant type: single nucleotide variant.
Coding change: c.205G>C on transcript NM_004364.5 (MANE Select); coding-DNA position 205, G replaced by C.
Protein change: p.Asp69His; replaces aspartic acid 69 with histidine.
Molecular consequence: missense variant. On other transcripts: 5 prime UTR variant (1).
Genome position (GRCh38, 1-based): chr19:33,302,210, C>G on the plus strand (G>C on the coding strand, the complement: CEBPA is on the minus strand). VCF-style: chr19-33302210-C-G. GRCh37 (hg19) VCF-style: chr19-33793116-C-G.
Other names: c.-153G>C (NM_001285829.2); c.310G>C, p.Asp104His (NM_001287424.2); c.163G>C, p.Asp55His (NM_001287435.2); short protein forms D69H, D104H, D55H.
Identifiers: ClinVar variation 2991945 (VCV002991945.4), dbSNP rs1470985645, ClinGen allele CA405275452.